The following is an entry in ClinVar:

ClinVar aggregate classification (germline): Uncertain significance (1 of 4 stars; one submission).

Conditions:
Long QT syndrome (LQTS). Identifiers: MedGen C0023976, MeSH D008133, MONDO:0002442. Disease mechanism: loss of function. Inheritance: Various modes of inheritance.

Allele frequency attached by ClinVar (database versions not stated): TOPMed 0.00001; gnomAD 0.00002.
gnomAD v4.1: 3 of 1,562,988 alleles (0.00019%); highest among the groups gnomAD compares: African/African-American, 0.0042%; no homozygotes.

Submission:

Labcorp Genetics (formerly Invitae), Labcorp
Classification: Uncertain significance for Long QT syndrome. Last evaluated: 2023-04-20. Review status: criteria provided, single submitter. Criteria: Invitae Variant Classification Sherloc (09022015). Collection method: clinical testing. Allele origin: germline.
Comment: In summary, the available evidence is currently insufficient to determine the role of this variant in disease. Therefore, it has been classified as a Variant of Uncertain Significance. An algorithm developed to predict the effect of missense changes on protein structure and function (PolyPhen-2) suggests that this variant is likely to be tolerated. This variant has not been reported in the literature in individuals affected with AKAP9-related conditions. This variant is present in population databases (no rsID available, gnomAD 0.02%). This sequence change replaces glutamic acid, which is acidic and polar, with aspartic acid, which is acidic and polar, at codon 2630 of the AKAP9 protein (p.Glu2630Asp).

NM_005751.5(AKAP9):c.7890A>T (p.Glu2630Asp)

Gene: AKAP9 (A-kinase anchoring protein 9; plus strand). Cytogenetic location: 7q21.2.
Variant type: single nucleotide variant.
Coding change: c.7890A>T on transcript NM_005751.5 (MANE Select); coding-DNA position 7890, A replaced by T.
Protein change: p.Glu2630Asp; replaces glutamic acid 2630 with aspartic acid.
Molecular consequence: missense variant.
Genome position (GRCh38, 1-based): chr7:92,080,023, A>T. VCF-style: chr7-92080023-A-T. GRCh37 (hg19) VCF-style: chr7-91709337-A-T.
Other names: c.2535A>T, p.Glu845Asp (NM_001379277.1); c.7866A>T, p.Glu2622Asp (NM_147185.3); short protein forms E2622D, E2630D, E845D.
Identifiers: ClinVar variation 2783070 (VCV002783070.3), dbSNP rs1211841696, ClinGen allele CA368136751.